The following is an entry in ClinVar:

NM_032119.4(ADGRV1):c.12424C>T (p.Arg4142Trp)

Gene: ADGRV1 (adhesion G protein-coupled receptor V1; plus strand). Cytogenetic location: 5q14.3.
Variant type: single nucleotide variant.
Coding change: c.12424C>T on transcript NM_032119.4 (MANE Select); coding-DNA position 12424, C replaced by T.
Protein change: p.Arg4142Trp; replaces arginine 4142 with tryptophan.
Molecular consequence: missense variant. On other transcripts: non-coding transcript variant (1).
Genome position (GRCh38, 1-based): chr5:90,776,473, C>T. VCF-style: chr5-90776473-C-T. GRCh37 (hg19) VCF-style: chr5-90072290-C-T.
Other names: short protein forms R4142W.
Identifiers: ClinVar variation 163604 (VCV000163604.15), dbSNP rs534226753, ClinGen allele CA176229.

ClinVar aggregate classification (germline): Conflicting classifications of pathogenicity. Review status: criteria provided, conflicting classifications (1 of 4 stars). 4 submissions from 4 submitters: Uncertain significance (3); Likely benign (1). Last evaluated 2026-03-24.

Allele frequency attached by ClinVar (database versions not stated): gnomAD 0.00001; ExAC 0.00002; gnomAD exomes 0.00002; TOPMed 0.00004.
gnomAD v4.1: 30 of 1,612,516 alleles (0.0019%); highest among the groups gnomAD compares: African/African-American, 0.008%; no homozygotes.

Submissions (4):

GeneDx
Classification: Uncertain significance. Last evaluated: 2026-03-24. Review status: criteria provided, single submitter. Criteria: GeneDx Variant Classification Process June 2021. Collection method: clinical testing. Allele origin: germline.
Comment: In silico analysis suggests that this missense variant does not alter protein structure/function; Has not been previously published as pathogenic or benign to our knowledge

Labcorp Genetics (formerly Invitae), Labcorp
Classification: Likely benign. Last evaluated: 2026-01-19. Review status: criteria provided, single submitter. Criteria: Invitae Variant Classification Sherloc (09022015). Collection method: clinical testing. Allele origin: germline.

Blueprint Genetics
Classification: Uncertain significance. Last evaluated: 2020-03-23. Review status: criteria provided, single submitter. Criteria: ACMG Guidelines, 2015. Collection method: clinical testing. Allele origin: germline.

Laboratory for Molecular Medicine, Mass General Brigham Personalized Medicine
Classification: Uncertain significance. Last evaluated: 2014-02-27. Review status: criteria provided, single submitter. Criteria: LMM Criteria. Collection method: clinical testing. Allele origin: germline. Observed: 1 variant allele.
Comment: The Arg4142Trp variant in GPR98 has not been previously reported in individuals with hearing loss and was absent from large population studies. Computational pr ediction tools and conservation analyses suggest that the Arg4142Trp variant may not impact the protein, though this information is not predictive enough to rul e out pathogenicity. In summary, additional information is needed to determine the clinical significance of this variant.